The following is an entry in ClinVar:

NC_000010.10:g.(75585106_75597225)_(75634350_?)dup

Gene: CAMK2G (calcium/calmodulin dependent protein kinase II gamma; minus strand). Cytogenetic location: 10q22.2.
Variant type: Duplication.
Identifiers: ClinVar variation 2577199 (VCV002577199.1).

ClinVar aggregate classification (germline): Uncertain significance (1 of 4 stars; one submission).

Submission:

Women's Health and Genetics/Laboratory Corporation of America, LabCorp
Classification: Uncertain significance. Last evaluated: 2023-07-25. Review status: criteria provided, single submitter. Criteria: LabCorp Variant Classification Summary - May 2015. Collection method: clinical testing. Allele origin: germline.
Comment: Variant summary: The variant identified by MLPA or other technology involves the duplication of exons 1-13 in the CAMK2G gene. The exact breakpoint at the 5' end of this variant is unknown and therefore this duplication might extend upstream of the assayed region of the CAMK2G gene. A presumed nomenclature of c.(?_-131)_(990+1_991-1)dup has been designated for the purposes of this classification. It has been assumed that this is a tandem duplication in direct orientation (Richardson_GIM_2018, Newman_AJHG_2015). Since the exact breakpoints of this duplication and initiation codon are not known, it is not possible to predict if it causes an in-frame or out-of-frame product. The variant was absent in 21694 control chromosomes (gnomAD Structural Variants dataset). The available data on variant occurrences in the general population are insufficient to allow any conclusion about variant significance. To our knowledge, no occurrence of c.(?_-131)_(990+1_991-1)dup in individuals affected with Intellectual Developmental Disorder 59 and no experimental evidence demonstrating its impact on protein function have been reported. No submitters have reported clinical-significance assessments for this variant to ClinVar after 2014. Based on the evidence outlined above, the variant was classified as uncertain significance.